The following is an entry in ClinVar:

ClinVar aggregate classification (germline): Uncertain significance (1 of 4 stars; one submission).

Conditions:
Hereditary cancer-predisposing syndrome. Also called: Hereditary Cancer Syndrome; Hereditary neoplastic syndrome; Neoplastic Syndromes, Hereditary; Tumor predisposition. Identifiers: Orphanet 140162, MedGen C0027672, MeSH D009386, MONDO:0015356.

Submission:

Sema4
Classification: Uncertain significance for Hereditary cancer-predisposing syndrome. Last evaluated: 2021-11-03. Review status: criteria provided, single submitter. Criteria: Sema4 Curation Guidelines. Collection method: curation. Allele origin: germline.
Comment: To the best of our knowledge, the RB1 c.1504A>G (p.T502A) variant has not been reported in individuals with RB1-related disease. It was not observed in the large and broad cohorts of the Genome Aggregation Database (PMID: 32461654). The variant has not been reported in ClinVar. Functional studies have not been performed, and in silico predictions of the variant's effect on protein function are inconclusive. The evidence is insufficient to meet ACMG/AMP criteria for classifying the variant as benign or pathogenic. Thus, the clinical significance of this variant is currently uncertain.

NM_000321.3(RB1):c.1504A>G (p.Thr502Ala)

Gene: RB1 (RB transcriptional corepressor 1; plus strand). Cytogenetic location: 13q14.2.
Variant type: single nucleotide variant.
Coding change: c.1504A>G on transcript NM_000321.3 (MANE Select); coding-DNA position 1504, A replaced by G.
Protein change: p.Thr502Ala; replaces threonine 502 with alanine.
Molecular consequence: missense variant.
Genome position (GRCh38, 1-based): chr13:48,381,252, A>G. VCF-style: chr13-48381252-A-G. GRCh37 (hg19) VCF-style: chr13-48955388-A-G.
Other names: short protein forms T502A.
Identifiers: ClinVar variation 1692376 (VCV001692376.1), dbSNP rs2138144826, ClinGen allele CA388163280.